The following is an entry in ClinVar:

NM_032043.3(BRIP1):c.2703T>C (p.Asn901=)

Gene: BRIP1 (BRCA1 interacting DNA helicase 1; minus strand). Cytogenetic location: 17q23.2.
Variant type: single nucleotide variant.
Coding change: c.2703T>C on transcript NM_032043.3 (MANE Select); coding-DNA position 2703, T replaced by C.
Protein change: p.Asn901=; no amino-acid change (asparagine 901 retained).
Molecular consequence: synonymous variant.
Genome position (GRCh38, 1-based): chr17:61,686,038, A>G on the plus strand (T>C on the coding strand, the complement: BRIP1 is on the minus strand). VCF-style: chr17-61686038-A-G. GRCh37 (hg19) VCF-style: chr17-59763399-A-G.
Identifiers: ClinVar variation 3378446 (VCV003378446.1).

ClinVar aggregate classification (germline): Benign (1 of 4 stars; one submission).

Conditions:
Familial cancer of breast. Also called: hereditary breast carcinoma; Hereditary breast cancer; BREAST CANCER, FAMILIAL. Identifiers: Orphanet 227535, MedGen C0346153, MONDO:0016419, OMIM 114480. Disease mechanism: loss of function.

Submission:

Myriad Genetics, Inc.
Classification: Benign for Familial cancer of breast. Last evaluated: 2024-09-05. Review status: criteria provided, single submitter. Criteria: Myriad Autosomal Dominant, Autosomal Recessive and X-Linked Classification Criteria (2023). Collection method: clinical testing. Allele origin: unknown.
Comment: This variant is considered benign. This variant is a silent/synonymous amino acid change and it is not expected to impact splicing.